The following is an entry in ClinVar:

NM_006766.5(KAT6A):c.3614A>G (p.Gln1205Arg)

Gene: KAT6A (lysine acetyltransferase 6A; minus strand). Cytogenetic location: 8p11.21.
Variant type: single nucleotide variant.
Coding change: c.3614A>G on transcript NM_006766.5 (MANE Select); coding-DNA position 3614, A replaced by G.
Protein change: p.Gln1205Arg; replaces glutamine 1205 with arginine.
Molecular consequence: missense variant.
Genome position (GRCh38, 1-based): chr8:41,934,606, T>C on the plus strand (A>G on the coding strand, the complement: KAT6A is on the minus strand). VCF-style: chr8-41934606-T-C. GRCh37 (hg19) VCF-style: chr8-41792124-T-C.
Other names: short protein forms Q1205R.
Identifiers: ClinVar variation 2499214 (VCV002499214.1), dbSNP rs754427391, ClinGen allele CA4729645.
Genomic context (GRCh38, chr8:41,934,606, plus strand): 5'-TCCTTCCTCTCCTCGGGTAGGGGCATGTCTTCTTTTGGCTCAACAGTTTCTTCACTCTCC[T>C]GGATCTTGGGTTTACGTCCAGCTTTAGGAATGGAAACGATGGGCTCAATGACGCATGCTT-3'
Protein context (NP_006757.2, residues 1195-1215): IPKAGRKPKI[Gln1205Arg]ESEETVEPKE

ClinVar aggregate classification (germline): Uncertain significance (1 of 4 stars; one submission).

Allele frequency attached by ClinVar (database versions not stated): gnomAD exomes below 0.00001; gnomAD 0.00001; ExAC 0.00002.
gnomAD v4.1: 3 of 1,614,102 alleles (0.00019%); highest among the groups gnomAD compares: East Asian, 0.0067%; no homozygotes.

Submission:

GeneDx
Classification: Uncertain significance. Last evaluated: 2022-10-12. Review status: criteria provided, single submitter. Criteria: GeneDx Variant Classification Process June 2021. Collection method: clinical testing. Allele origin: germline. Affected: yes.
Comment: In silico analysis supports that this missense variant does not alter protein structure/function; Has not been previously published as pathogenic or benign to our knowledge